The following is an entry in ClinVar:

NM_012335.4(MYO1F):c.1781G>A (p.Arg594Gln)

Gene: MYO1F (myosin IF; minus strand). Cytogenetic location: 19p13.2.
Variant type: single nucleotide variant.
Coding change: c.1781G>A on transcript NM_012335.4 (MANE Select); coding-DNA position 1781, G replaced by A.
Protein change: p.Arg594Gln; replaces arginine 594 with glutamine.
Molecular consequence: missense variant.
Genome position (GRCh38, 1-based): chr19:8,536,967, C>T on the plus strand (G>A on the coding strand, the complement: MYO1F is on the minus strand). VCF-style: chr19-8536967-C-T. GRCh37 (hg19) VCF-style: chr19-8601851-C-T.
Other names: c.1769G>A, p.Arg590Gln (NM_001348355.2); short protein forms R594Q, R590Q.
Identifiers: ClinVar variation 374265 (VCV000374265.2), dbSNP rs148281976, ClinGen allele CA9159141.

ClinVar aggregate classification (germline): Uncertain significance (0 of 4 stars; one submission).

Conditions:
Bilateral sensorineural hearing impairment. Also called: Bilateral sensorineural hearing loss. Identifiers: MedGen C0452138, HP:0008619.

Allele frequency attached by ClinVar (database versions not stated): ESP Exome Variant Server 0.00048; TOPMed 0.00057; 1000 Genomes Project 30x 0.00062; gnomAD 0.00070; 1000 Genomes Project 0.00080.
gnomAD v4.1: 226 of 1,612,342 alleles (0.014%); highest among the groups gnomAD compares: Admixed American, 0.17%; 1 homozygote.

Submission:

Baylor Genetics
Classification: Uncertain significance for bilateral sensorineural hearing impairment. Last evaluated: 2014-05-22. Review status: no assertion criteria provided. Collection method: clinical testing. Allele origin: de novo. Inheritance: Autosomal dominant inheritance. Observed: 2 variant alleles, 2 heterozygotes.
Comment: Defects in MYO1F have been reported in individuals with bilateral sensorineural hearing loss [PMID 19027848], an autosomal dominant disorder.